The following is an entry in ClinVar:

ClinVar aggregate classification (germline): Pathogenic (1 of 4 stars; one submission).

Conditions:
Giant axonal neuropathy 1 (GAN1). Also called: GAN-Related Neurodegeneration; GIANT AXONAL NEUROPATHY 1, AUTOSOMAL RECESSIVE. Identifiers: Orphanet 643, MedGen C1850386, MONDO:0009749, OMIM 256850.

Submission:

Labcorp Genetics (formerly Invitae), Labcorp
Classification: Pathogenic for Giant axonal neuropathy 1. Last evaluated: 2023-04-18. Review status: criteria provided, single submitter. Criteria: Invitae Variant Classification Sherloc (09022015). Collection method: clinical testing. Allele origin: germline.
Comment: For these reasons, this variant has been classified as Pathogenic. This variant has not been reported in the literature in individuals affected with GAN-related conditions. This variant is not present in population databases (gnomAD no frequency). This sequence change creates a premature translational stop signal (p.Cys128*) in the GAN gene. It is expected to result in an absent or disrupted protein product. Loss-of-function variants in GAN are known to be pathogenic (PMID: 12655563, 14718689, 23890932).

Literature cited by the submitters: PubMed 12655563; PubMed 14718689; PubMed 23890932.

NM_022041.4(GAN):c.384C>A (p.Cys128Ter)

Gene: GAN (gigaxonin; plus strand). Cytogenetic location: 16q23.2.
Variant type: single nucleotide variant.
Coding change: c.384C>A on transcript NM_022041.4 (MANE Select); coding-DNA position 384, C replaced by A.
Protein change: p.Cys128Ter; replaces cysteine 128 with a stop codon.
Molecular consequence: nonsense. On other transcripts: 5 prime UTR variant (1).
Genome position (GRCh38, 1-based): chr16:81,354,506, C>A. VCF-style: chr16-81354506-C-A. GRCh37 (hg19) VCF-style: chr16-81388111-C-A.
Other names: c.-256C>A (NM_001377486.1); short protein forms C128*.
Identifiers: ClinVar variation 2857348 (VCV002857348.3), dbSNP rs2507728999, ClinGen allele CA396867901.
Genomic context (GRCh38, chr16:81,354,506, plus strand): 5'-AGCTGACCTGCTGCTACTGACGGACCTTAAAACCCTGTGCTGTGAGTTTTTGGAAGGCTG[C>A]ATTGCTGCTGAGAACTGTATTGGTATCCGTGACTTTGCACTACATTACTGCCTCCATCAC-3'